The following is an entry in ClinVar:

NM_000059.4(BRCA2):c.4813G>C (p.Val1605Leu)

Gene: BRCA2 (BRCA2 DNA repair associated; plus strand). Cytogenetic location: 13q13.1.
Variant type: single nucleotide variant.
Coding change: c.4813G>C on transcript NM_000059.4 (MANE Select); coding-DNA position 4813, G replaced by C.
Protein change: p.Val1605Leu; replaces valine 1605 with leucine.
Molecular consequence: missense variant. On other transcripts: non-coding transcript variant (1), intron variant (2).
Genome position (GRCh38, 1-based): chr13:32,339,168, G>C. VCF-style: chr13-32339168-G-C. GRCh37 (hg19) VCF-style: chr13-32913305-G-C.
Other names: c.4813G>C, p.Val1605Leu (NM_001406719.1, NM_001406720.1, NM_001432077.1); c.1910-5390G>C (NM_001406721.1); c.425-5390G>C (NM_001406722.1); short protein forms V1605L.
Identifiers: ClinVar variation 3825427 (VCV003825427.1).

ClinVar aggregate classification (germline): Uncertain significance (1 of 4 stars; one submission).

Conditions:
Hereditary cancer-predisposing syndrome. Also called: Hereditary neoplastic syndrome; Neoplastic Syndromes, Hereditary; Tumor predisposition; Hereditary Cancer Syndrome. Identifiers: Orphanet 140162, MedGen C0027672, MeSH D009386, MONDO:0015356.

Submission:

Ambry Genetics
Classification: Uncertain significance for Hereditary cancer-predisposing syndrome. Last evaluated: 2025-01-10. Review status: criteria provided, single submitter. Criteria: Ambry Variant Classification Scheme 2023. Collection method: clinical testing. Allele origin: germline.
Comment: The p.V1605L variant (also known as c.4813G>C), located in coding exon 10 of the BRCA2 gene, results from a G to C substitution at nucleotide position 4813. The valine at codon 1605 is replaced by leucine, an amino acid with highly similar properties. This amino acid position is conserved. In addition, this alteration is predicted to be tolerated by in silico analysis. Based on the available evidence, the clinical significance of this variant remains unclear.